The following is an entry in ClinVar:

ClinVar aggregate classification (germline): Likely benign (1 of 4 stars; one submission).

gnomAD v4.1: 1 of 1,614,202 alleles (0.000062%); highest among the groups gnomAD compares: South Asian, 0.0011%; no homozygotes.

Submission:

CeGaT Center for Human Genetics Tuebingen
Classification: Likely benign. Last evaluated: 2025-06-01. Review status: criteria provided, single submitter. Criteria: CeGaT Center For Human Genetics Tuebingen Variant Classification Criteria Version 2. Collection method: clinical testing. Allele origin: germline. Affected: yes. Observed: 1 variant allele.
Comment: EIF4G3: BP4, BP7

NM_001391906.1(EIF4G3):c.936A>C (p.Ile312=)

Gene: EIF4G3 (eukaryotic translation initiation factor 4 gamma 3; minus strand). Cytogenetic location: 1p36.12.
Variant type: single nucleotide variant.
Coding change: c.936A>C on transcript NM_001391906.1 (MANE Select); coding-DNA position 936, A replaced by C.
Protein change: p.Ile312=; no amino-acid change (isoleucine 312 retained).
Molecular consequence: synonymous variant.
Genome position (GRCh38, 1-based): chr1:20,942,218, T>G on the plus strand (A>C on the coding strand, the complement: EIF4G3 is on the minus strand). VCF-style: chr1-20942218-T-G. GRCh37 (hg19) VCF-style: chr1-21268711-T-G.
Other names: c.765A>C, p.Ile255= (NM_001198801.3, NM_001391896.1, NM_001391899.1 and 1 more transcripts); c.786A>C, p.Ile262= (NM_001198802.3); c.801A>C, p.Ile267= (NM_001198803.2, NM_001391898.1); c.768A>C, p.Ile256= (NM_001391892.1, NM_001391893.1, NM_001391894.1 and 3 more transcripts); c.621A>C, p.Ile207= (NM_001391897.1); c.789A>C, p.Ile263= (NM_001391901.1); c.879A>C, p.Ile293= (NM_001391902.1, NM_001391903.1); c.912A>C, p.Ile304= (NM_001391905.1); and 1 more.
Identifiers: ClinVar variation 3905958 (VCV003905958.10).
Genomic context (GRCh38, chr1:20,942,218, plus strand): 5'-TCGAGCAACAGAAGAAACAGTGGTAGGTGATGGAGGCAGAGGAAGCTCTGCTATGGATAC[T>G]ATTGCAGTAGTTTCAGATGTCTGGCCTTCTTGTTCTTTCTTCTCTCCACTGAGGACTAGC-3'
Protein context (NP_001378835.1, residues 302-322): QEGQTSETTA[Ile312=]VSIAELPLPP